The following is an entry in ClinVar:

ClinVar aggregate classification (germline): Pathogenic (1 of 4 stars; one submission).

Submission:

Labcorp Genetics (formerly Invitae), Labcorp
Classification: Pathogenic. Last evaluated: 2022-07-05. Review status: criteria provided, single submitter. Criteria: Invitae Variant Classification Sherloc (09022015). Collection method: clinical testing. Allele origin: germline.
Comment: This sequence change creates a premature translational stop signal (p.Ser690Lysfs*3) in the USP53 gene. It is expected to result in an absent or disrupted protein product. Loss-of-function variants in USP53 are known to be pathogenic (PMID: 32124521, 32759993). This variant is present in population databases (rs769939924, gnomAD 0.009%). This variant has not been reported in the literature in individuals affected with USP53-related conditions. For these reasons, this variant has been classified as Pathogenic.

Literature cited by the submitters: PubMed 32124521; PubMed 32759993.

NM_001371395.1(USP53):c.2068dup (p.Ser690fs)

Gene: USP53 (ubiquitin specific peptidase 53; plus strand). Cytogenetic location: 4q26.
Variant type: Duplication.
Coding change: c.2068dup on transcript NM_001371395.1 (MANE Select); coding-DNA position 2068, one base duplicated (A; older notation c.2068dupA).
Protein change: p.Ser690fs; shifts the reading frame from serine 690.
Molecular consequence: frameshift variant.
Genome position (GRCh38, 1-based): chr4:119,271,928, A duplicated; the last of 3 consecutive A bases (chr4:119,271,926-119,271,928); duplicating any one gives the same sequence. VCF-style (leftmost placement, unchanged base first): chr4-119271925-G-GA. GRCh37 (hg19) VCF-style: chr4-120193080-G-GA.
Other names: c.1915dup, p.Ser639fs (NM_001371396.1, NM_001389661.1); c.2068dup, p.Ser690fs (NM_001371397.1, NM_001371398.1, NM_001371399.1 and 3 more transcripts); c.1918dup, p.Ser640fs (NM_001389660.1); c.1720dup, p.Ser574fs (NM_001389662.1, NM_001389663.1, NM_001389664.1 and 1 more transcripts); c.1567dup, p.Ser523fs (NM_001389665.1, NM_001389667.1); short protein forms S574fs, S523fs, S690fs, S639fs, S640fs.
Identifiers: ClinVar variation 2075241 (VCV002075241.1), dbSNP rs769939924, ClinGen allele CA3059268.
Genomic context (GRCh38, chr4:119,271,925, plus strand): 5'-CTTGTAGAGGGTAAAGTGCATGGTGATAATTGGCAGATGCAAAGGACTGAGTCTGGATAT[G>GA]AAAGCAGTGATCACATCAGTAATGGTTCTACTAATTTGGACTCACCTGTTATCGATGGAA-3'